The following is an entry in ClinVar:

NM_018136.5(ASPM):c.1271A>G (p.Gln424Arg)

Gene: ASPM (assembly factor for spindle microtubules; minus strand). Cytogenetic location: 1q31.3.
Variant type: single nucleotide variant.
Coding change: c.1271A>G on transcript NM_018136.5 (MANE Select); coding-DNA position 1271, A replaced by G.
Protein change: p.Gln424Arg; replaces glutamine 424 with arginine.
Molecular consequence: missense variant.
Genome position (GRCh38, 1-based): chr1:197,142,981, T>C on the plus strand (A>G on the coding strand, the complement: ASPM is on the minus strand). VCF-style: chr1-197142981-T-C. GRCh37 (hg19) VCF-style: chr1-197112111-T-C.
Other names: c.1271A>G, p.Gln424Arg (NM_001206846.2); short protein forms Q424R.
Identifiers: ClinVar variation 1491453 (VCV001491453.8), dbSNP rs142702540, ClinGen allele CA35861247.

ClinVar aggregate classification (germline): Uncertain significance (1 of 4 stars; one submission).

Allele frequency attached by ClinVar (database versions not stated): ESP Exome Variant Server 0.00008.

Submission:

Labcorp Genetics (formerly Invitae), Labcorp
Classification: Uncertain significance. Last evaluated: 2021-12-02. Review status: criteria provided, single submitter. Criteria: Invitae Variant Classification Sherloc (09022015). Collection method: clinical testing. Allele origin: germline.
Comment: In summary, the available evidence is currently insufficient to determine the role of this variant in disease. Therefore, it has been classified as a Variant of Uncertain Significance. Algorithms developed to predict the effect of missense changes on protein structure and function output the following: SIFT: "Tolerated"; PolyPhen-2: "Benign"; Align-GVGD: "Class C0". The arginine amino acid residue is found in multiple mammalian species, which suggests that this missense change does not adversely affect protein function. This variant has not been reported in the literature in individuals affected with ASPM-related conditions. This variant is not present in population databases (gnomAD no frequency). This sequence change replaces glutamine, which is neutral and polar, with arginine, which is basic and polar, at codon 424 of the ASPM protein (p.Gln424Arg).